The following is an entry in ClinVar:

NM_001273.5(CHD4):c.4910G>A (p.Gly1637Asp)

Genes: CHD4 (chromodomain helicase DNA binding protein 4; minus strand), CHD4-AS1 (CHD4 antisense RNA 1; plus strand). Cytogenetic location: 12p13.31.
Variant type: single nucleotide variant.
Coding change: c.4910G>A on transcript NM_001273.5 (MANE Select); coding-DNA position 4910, G replaced by A.
Protein change: p.Gly1637Asp; replaces glycine 1637 with aspartic acid.
Molecular consequence: missense variant.
Genome position (GRCh38, 1-based): chr12:6,578,917, C>T on the plus strand (G>A on the coding strand, the complement: CHD4 is on the minus strand). VCF-style: chr12-6578917-C-T. GRCh37 (hg19) VCF-style: chr12-6688083-C-T.
Other names: c.4889G>A, p.Gly1630Asp (NM_001297553.2); c.4877G>A, p.Gly1626Asp (NM_001363606.2); short protein forms G1626D, G1637D, G1630D.
Identifiers: ClinVar variation 1460903 (VCV001460903.6), dbSNP rs750234213, ClinGen allele CA232385860.
Genomic context (GRCh38, chr12:6,578,917, plus strand): 5'-ACCACAATAGGGGTCAGATCTATTGCTGACTTTTCCTCCACCTTCTCTACATCAGCAGCA[C>T]CTAGGGGAAGAAATGTTATTGAGACTATACCTAAAGGAAGAACATTCTCCTCTGTTGCAC-3'
Protein context (NP_001264.2, residues 1627-1647): TEEPMETEPK[Gly1637Asp]AADVEKVEEK

ClinVar aggregate classification (germline): Uncertain significance (1 of 4 stars; one submission).

Allele frequency attached by ClinVar (database versions not stated): gnomAD exomes below 0.00001 and 0.00001; TOPMed below 0.00001.
gnomAD v4.1: 14 of 1,613,962 alleles (0.00087%); highest among the groups gnomAD compares: Non-Finnish European, 0.0011%; no homozygotes.

Submission:

Labcorp Genetics (formerly Invitae), Labcorp
Classification: Uncertain significance. Last evaluated: 2021-10-21. Review status: criteria provided, single submitter. Criteria: Invitae Variant Classification Sherloc (09022015). Collection method: clinical testing. Allele origin: germline.
Comment: Algorithms developed to predict the effect of missense changes on protein structure and function are either unavailable or do not agree on the potential impact of this missense change (SIFT: "Deleterious"; PolyPhen-2: "Benign"; Align-GVGD: "Class C65"). In summary, the available evidence is currently insufficient to determine the role of this variant in disease. Therefore, it has been classified as a Variant of Uncertain Significance. This variant has not been reported in the literature in individuals affected with CHD4-related conditions. This variant is not present in population databases (ExAC no frequency). This sequence change replaces glycine with aspartic acid at codon 1637 of the CHD4 protein (p.Gly1637Asp). The glycine residue is highly conserved and there is a moderate physicochemical difference between glycine and aspartic acid.